The following is an entry in ClinVar:

ClinVar aggregate classification (germline): Pathogenic (1 of 4 stars; one submission).

Allele frequency attached by ClinVar (database versions not stated): gnomAD exomes 0.00003.

Submission:

Labcorp Genetics (formerly Invitae), Labcorp
Classification: Pathogenic. Last evaluated: 2022-05-16. Review status: criteria provided, single submitter. Criteria: Invitae Variant Classification Sherloc (09022015). Collection method: clinical testing. Allele origin: germline.
Comment: For these reasons, this variant has been classified as Pathogenic. ClinVar contains an entry for this variant (Variation ID: 1006456). This variant has not been reported in the literature in individuals affected with TRAF3IP1-related conditions. This variant is not present in population databases (gnomAD no frequency). This sequence change creates a premature translational stop signal (p.Ser309*) in the TRAF3IP1 gene. It is expected to result in an absent or disrupted protein product. Loss-of-function variants in TRAF3IP1 are known to be pathogenic (PMID: 21945076, 26487268, 29068549).

Literature cited by the submitters: PubMed 21945076; PubMed 26487268; PubMed 29068549.

NM_015650.4(TRAF3IP1):c.926del (p.Ser308_Ser309insTer)

Gene: TRAF3IP1 (TRAF3 interacting protein 1; plus strand). Cytogenetic location: 2q37.3.
Variant type: Deletion.
Coding change: c.926del on transcript NM_015650.4 (MANE Select); coding-DNA position 926, one base deleted (C; older notation c.926delC).
Protein change: p.Ser308_Ser309insTer.
Molecular consequence: nonsense.
Genome position (GRCh38, 1-based): chr2:238,332,834, C deleted. VCF-style (leftmost placement, unchanged base first): chr2-238332833-TC-T. GRCh37 (hg19) VCF-style: chr2-239241474-TC-T.
Other names: c.926del, p.Ser308_Ser309insTer (NM_001139490.1).
Identifiers: ClinVar variation 1006456 (VCV001006456.6), dbSNP rs1698195483, ClinGen allele CA1338075145.